The following is an entry in ClinVar:

NM_138348.6(OTULIN):c.700T>C (p.Phe234Leu)

Gene: OTULIN (OTU deubiquitinase with linear linkage specificity; plus strand). Cytogenetic location: 5p15.2.
Variant type: single nucleotide variant.
Coding change: c.700T>C on transcript NM_138348.6 (MANE Select); coding-DNA position 700, T replaced by C.
Protein change: p.Phe234Leu; replaces phenylalanine 234 with leucine.
Molecular consequence: missense variant.
Genome position (GRCh38, 1-based): chr5:14,690,144, T>C. VCF-style: chr5-14690144-T-C. GRCh37 (hg19) VCF-style: chr5-14690253-T-C.
Other names: short protein forms F234L.
Identifiers: ClinVar variation 4742916 (VCV004742916.1).
Genomic context (GRCh38, chr5:14,690,144, plus strand): 5'-GCTTGTGATGAACTATTCACAAATGAGGCGGAGGAATATAGCCTCTATGAAGCTGTAAAA[T>C]TTCTAATGCTAAACAGAGCCATTGAACTATATAATGATAAAGAGAAAGGAAAGGAAGTAC-3'
Protein context (NP_612357.4, residues 224-244): EEYSLYEAVK[Phe234Leu]LMLNRAIELY

ClinVar aggregate classification (germline): Uncertain significance (1 of 4 stars; one submission).

Submission:

Labcorp Genetics (formerly Invitae), Labcorp
Classification: Uncertain significance. Last evaluated: 2025-10-01. Review status: criteria provided, single submitter. Criteria: Invitae Variant Classification Sherloc (09022015). Collection method: clinical testing. Allele origin: germline.
Comment: This sequence change replaces phenylalanine, which is neutral and non-polar, with leucine, which is neutral and non-polar, at codon 234 of the OTULIN protein (p.Phe234Leu). This variant is not present in population databases (gnomAD no frequency). This variant has not been reported in the literature in individuals affected with OTULIN-related conditions. Invitae Evidence Modeling of protein sequence and biophysical properties (such as structural, functional, and spatial information, amino acid conservation, physicochemical variation, residue mobility, and thermodynamic stability) indicates that this missense variant is not expected to disrupt OTULIN protein function with a negative predictive value of 80%. In summary, the available evidence is currently insufficient to determine the role of this variant in disease. Therefore, it has been classified as a Variant of Uncertain Significance.